The following is an entry in ClinVar:

NM_152564.5(VPS13B):c.3179T>C (p.Val1060Ala)

Gene: VPS13B (vacuolar protein sorting 13 homolog B; plus strand). Cytogenetic location: 8q22.2.
Variant type: single nucleotide variant.
Coding change: c.3179T>C on transcript NM_152564.5 (MANE Select); coding-DNA position 3179, T replaced by C.
Protein change: p.Val1060Ala; replaces valine 1060 with alanine.
Molecular consequence: missense variant.
Genome position (GRCh38, 1-based): chr8:99,431,633, T>C. VCF-style: chr8-99431633-T-C. GRCh37 (hg19) VCF-style: chr8-100443861-T-C.
Other names: c.3179T>C, p.Val1060Ala (NM_017890.5); short protein forms V1060A.
Identifiers: ClinVar variation 3706653 (VCV003706653.2).
Genomic context (GRCh38, chr8:99,431,633, plus strand): 5'-TGAATATATCTGAAAGCTGTAGAAGTCCTGAAGAAAGAATGAAGGAATTTATTGGAATTG[T>C]TTGGAATGCAGTGAAGCATCTCACACTACAGGTAAAATAAAAGTTAGAAATATTATGGAT-3'
Protein context (NP_689777.3, residues 1050-1070): EERMKEFIGI[Val1060Ala]WNAVKHLTLQ

ClinVar aggregate classification (germline): Uncertain significance (1 of 4 stars; one submission).

Conditions:
Cohen syndrome (COH1). Also called: Cutis verticis gyrata, retinitis pigmentosa, and sensorineural deafness; PEPPER SYNDROME. Identifiers: Orphanet 193, MedGen C0265223, MONDO:0008999, OMIM 216550.

Submission:

Labcorp Genetics (formerly Invitae), Labcorp
Classification: Uncertain significance for Cohen syndrome. Last evaluated: 2024-12-14. Review status: criteria provided, single submitter. Criteria: Invitae Variant Classification Sherloc (09022015). Collection method: clinical testing. Allele origin: germline.
Comment: This sequence change replaces valine, which is neutral and non-polar, with alanine, which is neutral and non-polar, at codon 1060 of the VPS13B protein (p.Val1060Ala). This variant is not present in population databases (gnomAD no frequency). This variant has not been reported in the literature in individuals affected with VPS13B-related conditions. Invitae Evidence Modeling of protein sequence and biophysical properties (such as structural, functional, and spatial information, amino acid conservation, physicochemical variation, residue mobility, and thermodynamic stability) indicates that this missense variant is not expected to disrupt VPS13B protein function with a negative predictive value of 80%. In summary, the available evidence is currently insufficient to determine the role of this variant in disease. Therefore, it has been classified as a Variant of Uncertain Significance.